The following is an entry in ClinVar:

NM_138713.4(NFAT5):c.2791T>A (p.Ser931Thr)

Gene: NFAT5 (nuclear factor of activated T cells 5; plus strand). Cytogenetic location: 16q22.1.
Variant type: single nucleotide variant.
Coding change: c.2791T>A on transcript NM_138713.4 (MANE Select); coding-DNA position 2791, T replaced by A.
Protein change: p.Ser931Thr; replaces serine 931 with threonine.
Molecular consequence: missense variant.
Genome position (GRCh38, 1-based): chr16:69,692,616, T>A. VCF-style: chr16-69692616-T-A. GRCh37 (hg19) VCF-style: chr16-69726519-T-A.
Other names: c.2788T>A, p.Ser930Thr (NM_001113178.3); c.2116T>A, p.Ser706Thr (NM_001367709.1); c.2737T>A, p.Ser913Thr (NM_006599.4); c.2509T>A, p.Ser837Thr (NM_138714.4, NM_173214.3, NM_173215.3); short protein forms S931T, S706T, S837T, S913T, S930T.
Identifiers: ClinVar variation 2824193 (VCV002824193.3), dbSNP rs1304385326, ClinGen allele CA396510872.

ClinVar aggregate classification (germline): Uncertain significance (1 of 4 stars; one submission).

Conditions:
Immunodeficiency. Identifiers: MedGen C0021051, MONDO:0021094, HP:0002721.

Submission:

Labcorp Genetics (formerly Invitae), Labcorp
Classification: Uncertain significance for Immunodeficiency. Last evaluated: 2022-12-25. Review status: criteria provided, single submitter. Criteria: Invitae Variant Classification Sherloc (09022015). Collection method: clinical testing. Allele origin: germline.
Comment: This sequence change replaces serine, which is neutral and polar, with threonine, which is neutral and polar, at codon 837 of the NFAT5 protein (p.Ser837Thr). This variant is not present in population databases (gnomAD no frequency). This variant has not been reported in the literature in individuals affected with NFAT5-related conditions. Algorithms developed to predict the effect of missense changes on protein structure and function are either unavailable or do not agree on the potential impact of this missense change (SIFT: "Tolerated"; PolyPhen-2: "Possibly Damaging"; Align-GVGD: "Class C0"). In summary, the available evidence is currently insufficient to determine the role of this variant in disease. Therefore, it has been classified as a Variant of Uncertain Significance.